The following is an entry in ClinVar:

NM_006231.4(POLE):c.910-6_910-4delinsCGT

Gene: POLE (DNA polymerase epsilon, catalytic subunit; minus strand). Cytogenetic location: 12q24.33.
Variant type: Indel.
Coding change: c.910-6_910-4delinsCGT on transcript NM_006231.4 (MANE Select); 6 bases into the intron before coding-DNA position 910 through 4 bases into the intron before coding-DNA position 910, GGC replaced by CGT.
Molecular consequence: intron variant.
Genome position (GRCh38, 1-based): chr12:132,676,208-132,676,210, GCC replaced by ACG on the plus strand (GGC replaced by CGT on the coding strand, the reverse complement: POLE is on the minus strand). VCF-style: chr12-132676208-GCC-ACG. GRCh37 (hg19) VCF-style: chr12-133252794-GCC-ACG.
Identifiers: ClinVar variation 5027107 (VCV005027107.1).

ClinVar aggregate classification (germline): Uncertain significance (1 of 4 stars; one submission).

Conditions:
Hereditary cancer-predisposing syndrome. Also called: Neoplastic Syndromes, Hereditary; Tumor predisposition; Hereditary neoplastic syndrome; Hereditary Cancer Syndrome. Identifiers: Orphanet 140162, MedGen C0027672, MeSH D009386, MONDO:0015356.

Submission:

Ambry Genetics
Classification: Uncertain significance for Hereditary cancer-predisposing syndrome. Last evaluated: 2026-08-19. Review status: criteria provided, single submitter. Criteria: Ambry Variant Classification Scheme 2023. Collection method: clinical testing. Allele origin: germline.
Comment: The c.910-6_910-4delGGCinsCGT intronic variant, located in intron 9 of the POLE gene, results from an in-frame from the deletion of 3 nucleotides and the insertion of 3 nucleotides at nucleotide position c.910-6 to c.910-4. This nucleotide region is not well conserved in available vertebrate species. In silico splice site analysis predicts that this alteration may weaken the native splice acceptor site. Based on the available evidence, the clinical significance of this variant remains unclear.